The following is an entry in ClinVar:

ClinVar aggregate classification (germline): Likely benign (1 of 4 stars; one submission).

Conditions:
ADCY3-related disorder. Also called: ADCY3-related condition.

gnomAD v4.1: 4 of 1,600,286 alleles (0.00025%); highest among the groups gnomAD compares: East Asian, 0.0045%; no homozygotes.

Submission:

PreventionGenetics, part of Exact Sciences
Classification: Likely benign for ADCY3-related condition. Last evaluated: 2026-06-11. Review status: criteria provided, single submitter. Criteria: ACMG Guidelines, 2015. Collection method: clinical testing. Allele origin: germline.
Comment: This variant is classified as likely benign based on ACMG/AMP sequence variant interpretation guidelines (Richards et al. 2015 PMID: 25741868, with internal and published modifications).

NM_004036.5(ADCY3):c.30C>T (p.Pro10=)

Gene: ADCY3 (adenylate cyclase 3; minus strand). Cytogenetic location: 2p23.3.
Variant type: single nucleotide variant.
Coding change: c.30C>T on transcript NM_004036.5 (MANE Select); coding-DNA position 30, C replaced by T.
Protein change: p.Pro10=; no amino-acid change (proline 10 retained).
Molecular consequence: synonymous variant.
Genome position (GRCh38, 1-based): chr2:24,918,958, G>A on the plus strand (C>T on the coding strand, the complement: ADCY3 is on the minus strand). VCF-style: chr2-24918958-G-A. GRCh37 (hg19) VCF-style: chr2-25141827-G-A.
Other names: c.30C>T, p.Pro10= (NM_001320613.2, NM_001377128.1, NM_001377129.1 and 2 more transcripts).
Identifiers: ClinVar variation 4985682 (VCV004985682.1).
Genomic context (GRCh38, chr2:24,918,958, plus strand): 5'-GCGGTCAGGGTCGGAGGGCAGGCTGACGGAGTACTCGGCTGAGTACTCGGCCGAGTATTC[G>A]GGCTCGGAGAAGCCCTGGTTCCTCGGCATACTGGCTGGTGTCTGCTACTGGCCCTAGAGA-3'
Protein context (NP_004027.2, residues 1-20): MPRNQGFSE[Pro10=]EYSAEYSAEY